The following is an entry in ClinVar:

NM_004172.5(SLC1A3):c.1474G>A (p.Gly492Arg)

Genes: SLC1A3 (solute carrier family 1 member 3; plus strand), SLC1A3-AS1 (SLC1A3 antisense RNA 1; minus strand). Cytogenetic location: 5p13.2.
Variant type: single nucleotide variant.
Coding change: c.1474G>A on transcript NM_004172.5 (MANE Select); coding-DNA position 1474, G replaced by A.
Protein change: p.Gly492Arg; replaces glycine 492 with arginine.
Molecular consequence: missense variant.
Genome position (GRCh38, 1-based): chr5:36,686,114, G>A. VCF-style: chr5-36686114-G-A. GRCh37 (hg19) VCF-style: chr5-36686216-G-A.
Other names: c.1339G>A, p.Gly447Arg (NM_001166695.3); c.1336G>A, p.Gly446Arg (NM_001289939.2); c.1138G>A, p.Gly380Arg (NM_001289940.2); short protein forms G446R, G447R, G492R, G380R.
Identifiers: ClinVar variation 2104296 (VCV002104296.4), dbSNP rs1334091499, ClinGen allele CA359610096.

ClinVar aggregate classification (germline): Uncertain significance (1 of 4 stars; one submission).

Allele frequency attached by ClinVar (database versions not stated): gnomAD exomes below 0.00001; gnomAD 0.00001.

Submission:

Labcorp Genetics (formerly Invitae), Labcorp
Classification: Uncertain significance. Last evaluated: 2023-08-30. Review status: criteria provided, single submitter. Criteria: Invitae Variant Classification Sherloc (09022015). Collection method: clinical testing. Allele origin: germline.
Comment: This variant is present in population databases (no rsID available, gnomAD 0.007%). In summary, the available evidence is currently insufficient to determine the role of this variant in disease. Therefore, it has been classified as a Variant of Uncertain Significance. Advanced modeling of protein sequence and biophysical properties (such as structural, functional, and spatial information, amino acid conservation, physicochemical variation, residue mobility, and thermodynamic stability) has been performed at Invitae for this missense variant, however the output from this modeling did not meet the statistical confidence thresholds required to predict the impact of this variant on SLC1A3 protein function. ClinVar contains an entry for this variant (Variation ID: 2104296). This variant has not been reported in the literature in individuals affected with SLC1A3-related conditions. This sequence change replaces glycine, which is neutral and non-polar, with arginine, which is basic and polar, at codon 492 of the SLC1A3 protein (p.Gly492Arg).